The following is an entry in ClinVar:

ClinVar aggregate classification (germline): Pathogenic. Review status: criteria provided, multiple submitters, no conflicts (2 of 4 stars). 2 submissions from 2 submitters: Pathogenic (2). Last evaluated 2026-04-01.

Conditions:
Hypertrophic cardiomyopathy 12. Identifiers: MedGen C2677491, MONDO:0012804, OMIM 612124.
Dilated cardiomyopathy 1M (CMD1M). Identifiers: Orphanet 154, MedGen C1843808, MONDO:0011840, OMIM 607482.

Allele frequency attached by ClinVar (database versions not stated): gnomAD exomes below 0.00001; TOPMed below 0.00001; gnomAD 0.00001.
gnomAD v4.1: 4 of 1,614,088 alleles (0.00025%); highest among the groups gnomAD compares: Non-Finnish European, 0.00034%; no homozygotes.

Submissions (2):

CeGaT Center for Human Genetics Tuebingen
Classification: Pathogenic. Last evaluated: 2026-04-01. Review status: criteria provided, single submitter. Criteria: CeGaT Center For Human Genetics Tuebingen Variant Classification Criteria Version 2. Collection method: clinical testing. Allele origin: germline. Affected: yes. Observed: 1 variant allele.
Comment: CSRP3: PVS1, PM2

Labcorp Genetics (formerly Invitae), Labcorp
Classification: Pathogenic for Hypertrophic cardiomyopathy 12; Dilated cardiomyopathy 1M. Last evaluated: 2023-08-04. Review status: criteria provided, single submitter. Criteria: Invitae Variant Classification Sherloc (09022015). Collection method: clinical testing. Allele origin: germline.
Comment: This variant has not been reported in the literature in individuals affected with CSRP3-related conditions. For these reasons, this variant has been classified as Pathogenic. ClinVar contains an entry for this variant (Variation ID: 216572). This variant is not present in population databases (gnomAD no frequency). This sequence change creates a premature translational stop signal (p.Lys113*) in the CSRP3 gene. It is expected to result in an absent or disrupted protein product. Loss-of-function variants in CSRP3 are known to be pathogenic (PMID: 12642359, 14567970, 16352453, 20087448, 34558151).

Literature cited by the submitters: PubMed 12642359 (cited by Labcorp Genetics (formerly Invitae), Labcorp); PubMed 14567970 (cited by Labcorp Genetics (formerly Invitae), Labcorp); PubMed 16352453 (cited by Labcorp Genetics (formerly Invitae), Labcorp); PubMed 20087448 (cited by Labcorp Genetics (formerly Invitae), Labcorp); PubMed 34558151 (cited by Labcorp Genetics (formerly Invitae), Labcorp).

NM_003476.5(CSRP3):c.337A>T (p.Lys113Ter)

Gene: CSRP3 (cysteine and glycine rich protein 3; minus strand). Cytogenetic location: 11p15.1.
Variant type: single nucleotide variant.
Coding change: c.337A>T on transcript NM_003476.5 (MANE Select); coding-DNA position 337, A replaced by T.
Protein change: p.Lys113Ter; replaces lysine 113 with a stop codon.
Molecular consequence: nonsense. On other transcripts: synonymous variant (1).
Genome position (GRCh38, 1-based): chr11:19,186,293, T>A on the plus strand (A>T on the coding strand, the complement: CSRP3 is on the minus strand). VCF-style: chr11-19186293-T-A. GRCh37 (hg19) VCF-style: chr11-19207840-T-A.
Other names: c.168A>T, p.Arg56= (NM_001369404.1); short protein forms K113*.
Identifiers: ClinVar variation 216572 (VCV000216572.10), dbSNP rs863224716, ClinGen allele CA338125.